The following is an entry in ClinVar:

NM_020347.4(LZTFL1):c.384+9T>C

Gene: LZTFL1 (leucine zipper transcription factor like 1; minus strand). Cytogenetic location: 3p21.31.
Variant type: single nucleotide variant.
Coding change: c.384+9T>C on transcript NM_020347.4 (MANE Select); 9 bases into the intron after coding-DNA position 384, T replaced by C.
Molecular consequence: intron variant.
Genome position (GRCh38, 1-based): chr3:45,834,229, A>G on the plus strand (T>C on the coding strand, the complement: LZTFL1 is on the minus strand). VCF-style: chr3-45834229-A-G. GRCh37 (hg19) VCF-style: chr3-45875721-A-G.
Other names: c.384+9T>C (NM_020347.3, NM_001405924.1, NM_001386452.1); c.408+9T>C (NM_001405925.1, NM_001405920.1); c.372+9T>C (NM_001276379.2, NM_001405921.1); c.333+9T>C (NM_001405927.1, NM_001276378.2, NM_001405926.1 and 4 more transcripts).
Identifiers: ClinVar variation 2741310 (VCV002741310.4), dbSNP rs2529786878, ClinGen allele CA2665414317.

ClinVar aggregate classification (germline): Likely benign. Review status: criteria provided, single submitter (1 of 4 stars). 2 submissions from 2 submitters: Likely benign (1). 1 of the submissions does not count toward it. Last evaluated 2023-12-12.

Conditions:
LZTFL1-related disorder. Also called: LZTFL1-related condition.

Submissions (2):

Labcorp Genetics (formerly Invitae), Labcorp
Classification: Likely benign. Last evaluated: 2023-12-12. Review status: criteria provided, single submitter. Criteria: Invitae Variant Classification Sherloc (09022015). Collection method: clinical testing. Allele origin: germline.

PreventionGenetics, part of Exact Sciences
Classification: Likely benign for LZTFL1-related condition. Last evaluated: 2024-09-13. Review status: no assertion criteria provided. Collection method: clinical testing. Allele origin: germline. Not counted in ClinVar's aggregate classification.
Comment: This variant is classified as likely benign based on ACMG/AMP sequence variant interpretation guidelines (Richards et al. 2015 PMID: 25741868, with internal and published modifications).